The following is an entry in ClinVar:

ClinVar aggregate classification (germline): Uncertain significance (1 of 4 stars; one submission).

Conditions:
Neuronal ceroid lipofuscinosis 7 (CLN7). Also called: MFSD8-Related Neuronal Ceroid-Lipofuscinosis. Identifiers: Orphanet 168491, Orphanet 228366, MedGen C1838571, MONDO:0012588, OMIM 610951.

Submission:

Labcorp Genetics (formerly Invitae), Labcorp
Classification: Uncertain significance for Neuronal ceroid lipofuscinosis 7. Last evaluated: 2023-12-11. Review status: criteria provided, single submitter. Criteria: Invitae Variant Classification Sherloc (09022015). Collection method: clinical testing. Allele origin: germline.
Comment: This sequence change replaces arginine, which is basic and polar, with isoleucine, which is neutral and non-polar, at codon 397 of the MFSD8 protein (p.Arg397Ile). This variant is not present in population databases (gnomAD no frequency). This variant has not been reported in the literature in individuals affected with MFSD8-related conditions. ClinVar contains an entry for this variant (Variation ID: 1011878). Advanced modeling of protein sequence and biophysical properties (such as structural, functional, and spatial information, amino acid conservation, physicochemical variation, residue mobility, and thermodynamic stability) has been performed at Invitae for this missense variant, however the output from this modeling did not meet the statistical confidence thresholds required to predict the impact of this variant on MFSD8 protein function. In summary, the available evidence is currently insufficient to determine the role of this variant in disease. Therefore, it has been classified as a Variant of Uncertain Significance.

NM_001371596.2(MFSD8):c.1190G>T (p.Arg397Ile)

Gene: MFSD8 (major facilitator superfamily domain containing 8; minus strand). Cytogenetic location: 4q28.2.
Variant type: single nucleotide variant.
Coding change: c.1190G>T on transcript NM_001371596.2 (MANE Select); coding-DNA position 1190, G replaced by T.
Protein change: p.Arg397Ile; replaces arginine 397 with isoleucine.
Molecular consequence: missense variant.
Genome position (GRCh38, 1-based): chr4:127,921,684, C>A on the plus strand (G>T on the coding strand, the complement: MFSD8 is on the minus strand). VCF-style: chr4-127921684-C-A. GRCh37 (hg19) VCF-style: chr4-128842839-C-A.
Other names: c.875G>T, p.Arg292Ile (NM_001363521.3); c.1055G>T, p.Arg352Ile (NM_001371590.2); c.1190G>T, p.Arg397Ile (NM_001371591.2, NM_152778.4); c.1196G>T, p.Arg399Ile (NM_001371592.2); c.1076G>T, p.Arg359Ile (NM_001371593.2); c.1043G>T, p.Arg348Ile (NM_001371594.2); c.989G>T, p.Arg330Ile (NM_001363520.3); c.740G>T, p.Arg247Ile (NM_001410765.1); and 2 more; short protein forms R292I, R303I, R330I, R348I, R352I, R359I, R397I, R399I.
Identifiers: ClinVar variation 1011878 (VCV001011878.6), dbSNP rs1736357135, ClinGen allele CA358171294.